The following is an entry in ClinVar:

NM_000235.4(LIPA):c.746C>G (p.Thr249Ser)

Gene: LIPA (lipase A, lysosomal acid type; minus strand). Cytogenetic location: 10q23.31.
Variant type: single nucleotide variant.
Coding change: c.746C>G on transcript NM_000235.4 (MANE Select); coding-DNA position 746, C replaced by G.
Protein change: p.Thr249Ser; replaces threonine 249 with serine.
Molecular consequence: missense variant.
Genome position (GRCh38, 1-based): chr10:89,223,760, G>C on the plus strand (C>G on the coding strand, the complement: LIPA is on the minus strand). VCF-style: chr10-89223760-G-C. GRCh37 (hg19) VCF-style: chr10-90983517-G-C.
Other names: c.746C>G, p.Thr249Ser (NM_001127605.3, NM_001440818.1, NM_001440819.1 and 16 more transcripts); c.398C>G, p.Thr133Ser (NM_001288979.2); c.878C>G, p.Thr293Ser (NM_001440836.1); c.767C>G, p.Thr256Ser (NM_001440837.1); c.761C>G, p.Thr254Ser (NM_001440838.1); c.578C>G, p.Thr193Ser (NM_001440839.1); short protein forms T249S, T293S, T133S, T254S, T193S, T256S.
Identifiers: ClinVar variation 4824632 (VCV004824632.1).

ClinVar aggregate classification (germline): Uncertain significance (1 of 4 stars; one submission).

Conditions:
Cardiovascular phenotype. Identifiers: MedGen CN230736.

gnomAD v4.1: 5 of 1,613,780 alleles (0.00031%); highest among the groups gnomAD compares: Non-Finnish European, 0.00042%; no homozygotes.

Submission:

Ambry Genetics
Classification: Uncertain significance for Cardiovascular phenotype. Last evaluated: 2026-02-19. Review status: criteria provided, single submitter. Criteria: Ambry Variant Classification Scheme 2023. Collection method: clinical testing. Allele origin: germline.
Comment: The p.T249S variant (also known as c.746C>G), located in coding exon 6 of the LIPA gene, results from a C to G substitution at nucleotide position 746. The threonine at codon 249 is replaced by serine, an amino acid with similar properties. This amino acid position is conserved. In addition, this alteration is predicted to be tolerated by in silico analysis. Based on the available evidence, the clinical significance of this variant remains unclear.